The following is an entry in ClinVar:

NM_001164508.2(NEB):c.4853A>G (p.Tyr1618Cys)

Gene: NEB (nebulin; minus strand). Cytogenetic location: 2q23.3.
Variant type: single nucleotide variant.
Coding change: c.4853A>G on transcript NM_001164508.2 (MANE Select); coding-DNA position 4853, A replaced by G.
Protein change: p.Tyr1618Cys; replaces tyrosine 1618 with cysteine.
Molecular consequence: missense variant.
Genome position (GRCh38, 1-based): chr2:151,666,268, T>C on the plus strand (A>G on the coding strand, the complement: NEB is on the minus strand). VCF-style: chr2-151666268-T-C. GRCh37 (hg19) VCF-style: chr2-152522782-T-C.
Other names: c.4853A>G, p.Tyr1618Cys (NM_001164507.2, NM_001271208.2, NM_004543.5); short protein forms Y1618C.
Identifiers: ClinVar variation 1443251 (VCV001443251.4), dbSNP rs759773612, ClinGen allele CA1910516.

ClinVar aggregate classification (germline): Uncertain significance. Review status: criteria provided, multiple submitters, no conflicts (2 of 4 stars). 2 submissions from 2 submitters: Uncertain significance (2). Last evaluated 2022-05-22.

Conditions:
Nemaline myopathy 2 (NEM2). Also called: Nemaline myopathy 2, autosomal recessive. Identifiers: MedGen C1850569, MONDO:0009725, OMIM 256030.
Arthrogryposis multiplex congenita 6. Identifiers: MedGen C5543431, MONDO:0030281, OMIM 619334.

Allele frequency attached by ClinVar (database versions not stated): gnomAD exomes below 0.00001 and 0.00001; ExAC 0.00001; TOPMed 0.00001.
gnomAD v4.1: 21 of 1,613,992 alleles (0.0013%); highest among the groups gnomAD compares: Non-Finnish European, 0.0016%; no homozygotes.

Submissions (2):

3billion
Classification: Uncertain significance for Arthrogryposis multiplex congenita 6. Last evaluated: 2022-05-22. Review status: criteria provided, single submitter. Criteria: ACMG Guidelines, 2015. Collection method: clinical testing. Allele origin: germline. Affected: yes. Observed: 1 heterozygote.
Comment: The variant is observed at an extremely low frequency in the gnomAD v2.1.1 dataset (total allele frequency: <0.001%). Missense variant: protein truncation variants are a common disease-causing mechanism for this gene. Therefore, this variant is classified as uncertain significanceaccording to the recommendation of ACMG/AMP guideline.

Labcorp Genetics (formerly Invitae), Labcorp
Classification: Uncertain significance for Nemaline myopathy 2. Last evaluated: 2021-12-03. Review status: criteria provided, single submitter. Criteria: Invitae Variant Classification Sherloc (09022015). Collection method: clinical testing. Allele origin: germline.
Comment: This sequence change replaces tyrosine, which is neutral and polar, with cysteine, which is neutral and slightly polar, at codon 1618 of the NEB protein (p.Tyr1618Cys). This variant is present in population databases (rs759773612, gnomAD 0.003%). This variant has not been reported in the literature in individuals affected with NEB-related conditions. Algorithms developed to predict the effect of missense changes on protein structure and function are either unavailable or do not agree on the potential impact of this missense change (SIFT: "Deleterious"; PolyPhen-2: "Not Available"; Align-GVGD: "Class C0"). In summary, the available evidence is currently insufficient to determine the role of this variant in disease. Therefore, it has been classified as a Variant of Uncertain Significance.